The following is an entry in ClinVar:

NM_000219.6(KCNE1):c.318C>G (p.Cys106Trp)

Gene: KCNE1 (potassium voltage-gated channel subfamily E regulatory subunit 1; minus strand). Cytogenetic location: 21q22.12.
Variant type: single nucleotide variant.
Coding change: c.318C>G on transcript NM_000219.6 (MANE Select); coding-DNA position 318, C replaced by G.
Protein change: p.Cys106Trp; replaces cysteine 106 with tryptophan.
Molecular consequence: missense variant.
Genome position (GRCh38, 1-based): chr21:34,449,317, G>C on the plus strand (C>G on the coding strand, the complement: KCNE1 is on the minus strand). VCF-style: chr21-34449317-G-C. GRCh37 (hg19) VCF-style: chr21-35821615-G-C.
Other names: c.318C>G, p.Cys106Trp (NM_001270405.3, NM_001127668.4, NM_001127669.4 and 4 more transcripts); short protein forms C106W.
Identifiers: ClinVar variation 3374623 (VCV003374623.2).

Conditions:
Long QT syndrome 5 (LQT5). Identifiers: Orphanet 101016, Orphanet 768, MedGen C1867904, MONDO:0013372, OMIM 613695.

Submission:

Roden Lab, Vanderbilt University Medical Center
No classification provided (evidence only). Condition: Long QT syndrome 5. Review status: no classification provided. Collection method: in vitro. Allele origin: not applicable. Functional consequence: Effect on ion channel function.
ClinVar note: "not provided" was previously submitted as the classification for the variant. However, the classification appeared to be based only on an observation of functional data so it was converted to no classification on 2025-07-30.